The following is an entry in ClinVar:

ClinVar aggregate classification (germline): Uncertain significance (1 of 4 stars; one submission).

Conditions:
Familial hemiplegic migraine. Identifiers: MedGen C0338484, MONDO:0000700.

Allele frequency attached by ClinVar (database versions not stated): TOPMed below 0.00001; gnomAD exomes 0.00001.
gnomAD v4.1: 8 of 1,614,226 alleles (0.0005%); highest among the groups gnomAD compares: Non-Finnish European, 0.00068%; no homozygotes.

Submission:

Labcorp Genetics (formerly Invitae), Labcorp
Classification: Uncertain significance for Familial hemiplegic migraine. Last evaluated: 2023-07-19. Review status: criteria provided, single submitter. Criteria: Invitae Variant Classification Sherloc (09022015). Collection method: clinical testing. Allele origin: germline.
Comment: In summary, the available evidence is currently insufficient to determine the role of this variant in disease. Therefore, it has been classified as a Variant of Uncertain Significance. An algorithm developed to predict the effect of missense changes on protein structure and function (PolyPhen-2) suggests that this variant is likely to be tolerated. ClinVar contains an entry for this variant (Variation ID: 846356). This variant has not been reported in the literature in individuals affected with ATP1A2-related conditions. This variant is not present in population databases (gnomAD no frequency). This sequence change replaces lysine, which is basic and polar, with threonine, which is neutral and polar, at codon 59 of the ATP1A2 protein (p.Lys59Thr).

NM_000702.4(ATP1A2):c.176A>C (p.Lys59Thr)

Gene: ATP1A2 (ATPase Na+/K+ transporting subunit alpha 2; plus strand). Cytogenetic location: 1q23.2.
Variant type: single nucleotide variant.
Coding change: c.176A>C on transcript NM_000702.4 (MANE Select); coding-DNA position 176, A replaced by C.
Protein change: p.Lys59Thr; replaces lysine 59 with threonine.
Molecular consequence: missense variant.
Genome position (GRCh38, 1-based): chr1:160,121,250, A>C. VCF-style: chr1-160121250-A-C. GRCh37 (hg19) VCF-style: chr1-160091040-A-C.
Other names: short protein forms K59T.
Identifiers: ClinVar variation 846356 (VCV000846356.8), dbSNP rs1367410532, ClinGen allele CA343228956.